The following is an entry in ClinVar:

ClinVar aggregate classification (germline): Likely benign (0 of 4 stars; one submission).

Conditions:
NRP2-related disorder. Also called: NRP2-related condition.

gnomAD v4.1: 22 of 1,613,700 alleles (0.0014%); highest among the groups gnomAD compares: East Asian, 0.0045%; no homozygotes.

Submission:

PreventionGenetics, part of Exact Sciences
Classification: Likely benign for NRP2-related condition. Last evaluated: 2023-10-25. Review status: no assertion criteria provided. Collection method: clinical testing. Allele origin: germline.
Comment: This variant is classified as likely benign based on ACMG/AMP sequence variant interpretation guidelines (Richards et al. 2015 PMID: 25741868, with internal and published modifications).

NM_003872.3(NRP2):c.84C>T (p.Cys28=)

Gene: NRP2 (neuropilin 2; plus strand). Cytogenetic location: 2q33.3.
Variant type: single nucleotide variant.
Coding change: c.84C>T on transcript NM_003872.3 (MANE Select); coding-DNA position 84, C replaced by T.
Protein change: p.Cys28=; no amino-acid change (cysteine 28 retained).
Molecular consequence: synonymous variant.
Genome position (GRCh38, 1-based): chr2:205,697,554, C>T. VCF-style: chr2-205697554-C-T. GRCh37 (hg19) VCF-style: chr2-206562278-C-T.
Other names: c.84C>T, p.Cys28= (NM_018534.4, NM_201264.2, NM_201266.2 and 2 more transcripts).
Identifiers: ClinVar variation 3354997 (VCV003354997.1).